The following is an entry in ClinVar:

NM_144643.4(SCLT1):c.1661T>A (p.Ile554Lys)

Gene: SCLT1 (sodium channel and clathrin linker 1; minus strand). Cytogenetic location: 4q28.2.
Variant type: single nucleotide variant.
Coding change: c.1661T>A on transcript NM_144643.4 (MANE Select); coding-DNA position 1661, T replaced by A.
Protein change: p.Ile554Lys; replaces isoleucine 554 with lysine.
Molecular consequence: missense variant. On other transcripts: stop lost (1).
Genome position (GRCh38, 1-based): chr4:128,936,823, A>T on the plus strand (T>A on the coding strand, the complement: SCLT1 is on the minus strand). VCF-style: chr4-128936823-A-T. GRCh37 (hg19) VCF-style: chr4-129857978-A-T.
Other names: c.1468T>A, p.Ter490Lys (NM_001410807.1); short protein forms I554K.
Identifiers: ClinVar variation 2105473 (VCV002105473.4), dbSNP rs2530296189, ClinGen allele CA358184195.

ClinVar aggregate classification (germline): Uncertain significance (1 of 4 stars; one submission).

Submission:

Labcorp Genetics (formerly Invitae), Labcorp
Classification: Uncertain significance. Last evaluated: 2022-03-01. Review status: criteria provided, single submitter. Criteria: Invitae Variant Classification Sherloc (09022015). Collection method: clinical testing. Allele origin: germline.
Comment: In summary, the available evidence is currently insufficient to determine the role of this variant in disease. Therefore, it has been classified as a Variant of Uncertain Significance. Algorithms developed to predict the effect of missense changes on protein structure and function are either unavailable or do not agree on the potential impact of this missense change (SIFT: "Deleterious"; PolyPhen-2: "Possibly Damaging"; Align-GVGD: "Class C0"). This variant has not been reported in the literature in individuals affected with SCLT1-related conditions. This variant is not present in population databases (gnomAD no frequency). This sequence change replaces isoleucine, which is neutral and non-polar, with lysine, which is basic and polar, at codon 554 of the SCLT1 protein (p.Ile554Lys).